The following is an entry in ClinVar:

ClinVar aggregate classification (germline): Pathogenic/Likely pathogenic. Review status: criteria provided, multiple submitters, no conflicts (2 of 4 stars). 11 submissions from 11 submitters: Pathogenic (6); Likely pathogenic (3). 2 of the submissions do not count toward it. Last evaluated 2026-08-26.

Conditions:
PPA2-related disorder. Also called: PPA2-related disorders; PPA2-related condition.
Sudden cardiac failure, infantile (SCFI). Identifiers: MedGen C4310664, MONDO:0014973, OMIM 617222.
Sudden cardiac failure, alcohol-induced (SCFAI). Identifiers: MedGen C4310663, MONDO:0014974, OMIM 617223.
Inborn genetic diseases. Identifiers: MedGen C0950123, MeSH D030342.

Allele frequency attached by ClinVar (database versions not stated): 1000 Genomes Project 30x 0.00016; 1000 Genomes Project 0.00020; gnomAD 0.00022; TOPMed 0.00023; ESP Exome Variant Server 0.00038.
gnomAD v4.1: 734 of 1,605,628 alleles (0.046%); highest among the groups gnomAD compares: Non-Finnish European, 0.057%; no homozygotes.

Submissions (11):

PreventionGenetics, part of Exact Sciences
Classification: Likely pathogenic for PPA2-related condition. Last evaluated: 2026-08-26. Review status: criteria provided, single submitter. Criteria: ACMG Guidelines, 2015. Collection method: clinical testing. Allele origin: germline.
Comment: The PPA2 c.380G>T variant is predicted to result in the amino acid substitution p.Arg127Leu. This variant is reported in 0.031% of alleles in individuals of European (Non-Finnish) descent in gnomAD. In summary, we interpret this variant as likely pathogenic.

Labcorp Genetics (formerly Invitae), Labcorp
Classification: Pathogenic. Last evaluated: 2026-01-31. Review status: criteria provided, single submitter. Criteria: Invitae Variant Classification Sherloc (09022015). Collection method: clinical testing. Allele origin: germline.
Comment: This sequence change replaces arginine, which is basic and polar, with leucine, which is neutral and non-polar, at codon 127 of the PPA2 protein (p.Arg127Leu). This variant is present in population databases (rs139076647, gnomAD 0.03%). This missense change has been observed in individual(s) with clinical features of sudden cardiac failure (PMID: 27523597; internal data). In at least one individual the data is consistent with being in trans (on the opposite chromosome) from a pathogenic variant. ClinVar contains an entry for this variant (Variation ID: 372225). Invitae Evidence Modeling of protein sequence and biophysical properties (such as structural, functional, and spatial information, amino acid conservation, physicochemical variation, residue mobility, and thermodynamic stability) indicates that this missense variant is expected to disrupt PPA2 protein function with a positive predictive value of 95%. For these reasons, this variant has been classified as Pathogenic.

GeneDx
Classification: Likely pathogenic. Last evaluated: 2025-11-26. Review status: criteria provided, single submitter. Criteria: GeneDx Variant Classification Process June 2021. Collection method: clinical testing. Allele origin: germline. Affected: yes.
Comment: Published functional studies demonstrate that this variant has a damaging effect on mitochondrial pyrophosphatase enzyme activity (PMID: 34400813); In silico analysis supports that this missense variant has a deleterious effect on protein structure/function; A different missense change at this residue (p.(R127C)) has been reported in association with an autosomal recessive PPA2-related disorder (PMID: 33826954); This variant is associated with the following publications: (PMID: 34758253, 31705601, 27523597, 34930847, Genthe_2023[case report], 37249496, 34400813, 33826954)

Ambry Genetics
Classification: Pathogenic for Inborn genetic diseases. Last evaluated: 2025-05-07. Review status: criteria provided, single submitter. Criteria: Ambry Variant Classification Scheme 2023. Collection method: clinical testing. Allele origin: germline.
Comment: The c.380G>T (p.R127L) alteration is located in exon 5 (coding exon 5) of the PPA2 gene. This alteration results from a G to T substitution at nucleotide position 380, causing the arginine (R) at amino acid position 127 to be replaced by a leucine (L). This variant has been identified in the homozygous state and/or in conjunction with other variant(s) in this same gene in individual(s) with features consistent with PPA2-related early sudden cardiac failure and segregated with disease in at least one family (Kennedy, 2016; Phoon, 2020; Guimier, 2021). This amino acid position is highly conserved in available vertebrate species. Based on internal structural analysis, this variant is anticipated to disrupt a region of known function (Bezpalaya, 2025). In an assay testing PPA2 function, this variant showed a functionally abnormal result (Guimier, 2021). This alteration is predicted to be deleterious by in silico analysis. Based on the available evidence, this alteration is classified as pathogenic.

Mayo Clinic Laboratories, Mayo Clinic
Classification: Pathogenic. Last evaluated: 2024-07-19. Review status: criteria provided, single submitter. Criteria: ACMG Guidelines, 2015. Collection method: clinical testing. Allele origin: germline. Observed: 1 variant allele.
Comment: PP1_strong, PM3_very_strong, PS3_supporting, PS4_moderate

Fulgent Genetics
Classification: Pathogenic for Sudden cardiac failure, infantile; Sudden cardiac failure, alcohol-induced. Last evaluated: 2024-06-14. Review status: criteria provided, single submitter. Criteria: ACMG Guidelines, 2015. Collection method: clinical testing. Allele origin: germline.

Blueprint Genetics
Classification: Pathogenic for PPA2-related disorders. Last evaluated: 2024-05-10. Review status: criteria provided, single submitter. Criteria: ACMG Guidelines, 2015. Collection method: clinical testing. Allele origin: germline. Affected: yes. Observed: 5 variant alleles.

Victorian Clinical Genetics Services, Murdoch Childrens Research Institute
Classification: Pathogenic for Sudden cardiac failure, infantile. Last evaluated: 2022-06-24. Review status: criteria provided, single submitter. Criteria: ACMG Guidelines, 2015. Collection method: clinical testing. Allele origin: germline. Inheritance: Autosomal recessive inheritance. Affected: yes.
Comment: Based on the classification scheme VCGS_Germline_v1.3.4, this variant is classified as Pathogenic. Following criteria are met: 0102 - Loss of function is a known mechanism of disease in this gene and is associated with infantile sudden cardiac failure (MIM#617222). (I) 0106 - This gene is associated with autosomal recessive disease. (I) 0200 - Variant is predicted to result in a missense amino acid change from arginine to leucine. (I) 0251 - This variant is heterozygous. (I) 0304 - Variant is present in gnomAD <0.01 for a recessive condition (v2: 44 heterozygotes, 0 homozygotes). (SP) 0309 - Two alternative amino acid changes at the same position have been observed in gnomAD (highest allele count in: v2, 12 heterozygotes, 0 homozygotes). (I) 0501 - Missense variant consistently predicted to be damaging by multiple in silico tools or highly conserved with a major amino acid change. (SP) 0600 - Variant is located in the annotated pyrophosphatase domain (PDB). (I) 0708 - Other missense variants comparable to the one identified in this case have conflicting previous evidence for pathogenicity. p.(Arg127Cys) has been reported as compound heterozygous in a child with epilepsy and recurrent acute cardiac failure (PMID: 33826954), and is listed in ClinVar as a VUS. p.(Arg127His) has been reported as a VUS in ClinVar. (I) 0801 - This variant has strong previous evidence of pathogenicity in unrelated individuals. It has also been reported as likely pathogenic by multiple clinical testing laboratories (ClinVar). (SP) 1002 - This variant has moderate functional evidence supporting abnormal protein function. Enzyme activity in the recombinant PPA2 protein harbouring R127L was significantly decreased compared to a wild-type control (PMID: 34400813). (SP) 1208 - Inheritance information for this variant is not currently available in this individual. (I) Legend: (SP) - Supporting pathogenic, (I) - Information, (SB) - Supporting benign

Royal Brompton Clinical Genetics And Genomics Laboratory, NHS South East Genomic Laboratory Hub
Classification: Likely pathogenic for Sudden infantile cardiac failure. Last evaluated: 2017-09-14. Review status: criteria provided, single submitter. Criteria: RBHT-CGGL ClinVar Assertion Criteria. Collection method: clinical testing. Allele origin: germline. Affected: yes. Observed: 1 variant allele.
Comment: The c.380G>T variant is present in 48/270550 individuals in the gnomAD control population in heterozygous form, and has previously been reported in compound heterozygosity with another likely pathogenic PPA2 variant in a single infant with sudden infantile cardiac failure (Kennedy et al (2016) Am J Hum Genet 99(3):674-682). In silico analysis predicts a pathogenic effect on protein function, and the affected amino acid is highly conserved. In view of the evidence, we have interpreted this variant as likely to be pathogenic when inherited with another (likely) pathogenic variant. The c.380G>T variant is also likely to be benign when carried in isolation.

pathogenic in compound heterozygous individuals.

OMIM
Classification: Pathogenic for SUDDEN CARDIAC FAILURE, INFANTILE. Last evaluated: 2016-11-23. Review status: no assertion criteria provided. Collection method: literature only. Allele origin: germline. Not counted in ClinVar's aggregate classification.

Genomics England Pilot Project, Genomics England
Classification: Likely pathogenic for Sudden cardiac failure, infantile. Review status: no assertion criteria provided. Criteria: ACGS Guidelines, 2016. Collection method: clinical testing. Allele origin: germline. Affected: yes. Not counted in ClinVar's aggregate classification.

Literature cited by the submitters: PubMed 27523597 (cited by 5 submitters); PubMed 31705601 (cited by 3 submitters); PubMed 34400813 (cited by 3 submitters); PubMed 39860040 (cited by Ambry Genetics); PubMed 34758253 (cited by Mayo Clinic Laboratories, Mayo Clinic); PubMed 34930847 (cited by Mayo Clinic Laboratories, Mayo Clinic); PubMed 33826954 (cited by Victorian Clinical Genetics Services, Murdoch Childrens Research Institute).

NM_176869.3(PPA2):c.380G>T (p.Arg127Leu)

Gene: PPA2 (inorganic pyrophosphatase 2; minus strand). Cytogenetic location: 4q24.
Variant type: single nucleotide variant.
Coding change: c.380G>T on transcript NM_176869.3 (MANE Select); coding-DNA position 380, G replaced by T.
Protein change: p.Arg127Leu; replaces arginine 127 with leucine.
Molecular consequence: missense variant. On other transcripts: intron variant (2).
Genome position (GRCh38, 1-based): chr4:105,446,444, C>A on the plus strand (G>T on the coding strand, the complement: PPA2 is on the minus strand). VCF-style: chr4-105446444-C-A. GRCh37 (hg19) VCF-style: chr4-106367601-C-A.
Other names: p.Arg127Leu; c.380G>T, p.Arg127Leu (NM_006903.4); c.157+27450G>T (NM_176867.3); c.222+10237G>T (NM_176866.2); short protein forms R127L.
Identifiers: ClinVar variation 372225 (VCV000372225.25), dbSNP rs139076647, ClinGen allele CA3032564.